The following is an entry in ClinVar:

ClinVar aggregate classification (germline): Pathogenic (1 of 4 stars; one submission).

Submission:

GeneDx
Classification: Pathogenic. Last evaluated: 2017-07-03. Review status: criteria provided, single submitter. Criteria: GeneDx Variant Classification (06012015). Collection method: clinical testing. Allele origin: germline. Affected: yes.
Comment: The G257X pathogenic variant in the ANKRD11 gene has not been reported previously as a pathogenic variant, nor as a benign variant, to our knowledge. This variant is predicted to cause loss of normal protein function either through protein truncation or nonsense-mediated mRNA decay. The G257X variant is not observed at a significant frequency in large population cohorts (Lek et al., 2016; 1000 Genomes Consortium et al., 2015; Exome Variant Server). We interpret G257X as a pathogenic variant.

NM_013275.6(ANKRD11):c.769G>T (p.Gly257Ter)

Gene: ANKRD11 (ankyrin repeat domain containing 11; minus strand). Cytogenetic location: 16q24.3.
Variant type: single nucleotide variant.
Coding change: c.769G>T on transcript NM_013275.6 (MANE Select); coding-DNA position 769, G replaced by T.
Protein change: p.Gly257Ter; replaces glycine 257 with a stop codon.
Molecular consequence: nonsense.
Genome position (GRCh38, 1-based): chr16:89,286,162, C>A on the plus strand (G>T on the coding strand, the complement: ANKRD11 is on the minus strand). VCF-style: chr16-89286162-C-A. GRCh37 (hg19) VCF-style: chr16-89352570-C-A.
Other names: c.769G>T, p.Gly257Ter (NM_001256182.2, NM_001256183.2); short protein forms G257*.
Identifiers: ClinVar variation 450131 (VCV000450131.2), dbSNP rs1555530173, ClinGen allele CA397166499.